The following is an entry in ClinVar:

ClinVar aggregate classification (germline): Uncertain significance (1 of 4 stars; one submission).

Conditions:
MEGF10-related myopathy (CMYO10A). Also called: Congenital myopathy 10A, severe variant. Identifiers: Orphanet 439212, MedGen C3280679, MONDO:0013731, OMIM 614399.

Allele frequency attached by ClinVar (database versions not stated): gnomAD 0.00001; TOPMed 0.00001.
gnomAD v4.1: 5 of 1,613,866 alleles (0.00031%); highest among the groups gnomAD compares: African/African-American, 0.0067%; no homozygotes.

Submission:

Labcorp Genetics (formerly Invitae), Labcorp
Classification: Uncertain significance for MEGF10-related myopathy. Last evaluated: 2023-07-17. Review status: criteria provided, single submitter. Criteria: Invitae Variant Classification Sherloc (09022015). Collection method: clinical testing. Allele origin: germline.
Comment: In summary, the available evidence is currently insufficient to determine the role of this variant in disease. Therefore, it has been classified as a Variant of Uncertain Significance. Advanced modeling of protein sequence and biophysical properties (such as structural, functional, and spatial information, amino acid conservation, physicochemical variation, residue mobility, and thermodynamic stability) performed at Invitae indicates that this missense variant is not expected to disrupt MEGF10 protein function. ClinVar contains an entry for this variant (Variation ID: 2199012). This variant has not been reported in the literature in individuals affected with MEGF10-related conditions. This variant is present in population databases (no rsID available, gnomAD 0.007%). This sequence change replaces threonine, which is neutral and polar, with proline, which is neutral and non-polar, at codon 553 of the MEGF10 protein (p.Thr553Pro).

NM_001256545.2(MEGF10):c.1657A>C (p.Thr553Pro)

Gene: MEGF10 (multiple EGF like domains 10; plus strand). Cytogenetic location: 5q23.2.
Variant type: single nucleotide variant.
Coding change: c.1657A>C on transcript NM_001256545.2 (MANE Select); coding-DNA position 1657, A replaced by C.
Protein change: p.Thr553Pro; replaces threonine 553 with proline.
Molecular consequence: missense variant.
Genome position (GRCh38, 1-based): chr5:127,422,736, A>C. VCF-style: chr5-127422736-A-C. GRCh37 (hg19) VCF-style: chr5-126758428-A-C.
Other names: c.1657A>C, p.Thr553Pro (NM_001308119.2, NM_001308121.2, NM_032446.3); short protein forms T553P.
Identifiers: ClinVar variation 2199012 (VCV002199012.4), dbSNP rs766247007, ClinGen allele CA360730598.
Genomic context (GRCh38, chr5:127,422,736, plus strand): 5'-ACGTACGGGCTGAACTGTGCTGAGCGCTGCGACTGCAGCCACGCAGATGGCTGCCACCCT[A>C]CCACGGGCCATTGCCGCTGCCTCCCCGGATGGTCAGGTGAGAGCCAAGGACCGCTAATTG-3'
Protein context (NP_001243474.1, residues 543-563): DCSHADGCHP[Thr553Pro]TGHCRCLPGW